The following is an entry in ClinVar:

NM_001256789.3(CACNA1F):c.4429C>T (p.Arg1477Cys)

Gene: CACNA1F (calcium voltage-gated channel subunit alpha1 F; minus strand). Cytogenetic location: Xp11.23.
Variant type: single nucleotide variant.
Coding change: c.4429C>T on transcript NM_001256789.3 (MANE Select); coding-DNA position 4429, C replaced by T.
Protein change: p.Arg1477Cys; replaces arginine 1477 with cysteine.
Molecular consequence: missense variant.
Genome position (GRCh38, 1-based): chrX:49,210,646, G>A on the plus strand (C>T on the coding strand, the complement: CACNA1F is on the minus strand). VCF-style: chrX-49210646-G-A. GRCh37 (hg19) VCF-style: chrX-49067106-G-A.
Other names: c.4267C>T, p.Arg1423Cys (NM_001256790.3); c.4462C>T, p.Arg1488Cys (NM_005183.4); short protein forms R1423C, R1477C, R1488C.
Identifiers: ClinVar variation 1001683 (VCV001001683.13), dbSNP rs782266289, ClinGen allele CA10410205.

ClinVar aggregate classification (germline): Uncertain significance. Review status: criteria provided, single submitter (1 of 4 stars). 3 submissions from 3 submitters: Uncertain significance (1). 2 of the submissions do not count toward it. Last evaluated 2024-01-16.

Allele frequency attached by ClinVar (database versions not stated): gnomAD exomes 0.00001 and 0.00003; gnomAD 0.00003; TOPMed 0.00003; ExAC 0.00004.
gnomAD v4.1: 16 of 1,209,139 alleles (0.0013%); highest among the groups gnomAD compares: South Asian, 0.0035%; no homozygotes.

Submissions (3):

Labcorp Genetics (formerly Invitae), Labcorp
Classification: Uncertain significance. Last evaluated: 2024-01-16. Review status: criteria provided, single submitter. Criteria: Invitae Variant Classification Sherloc (09022015). Collection method: clinical testing. Allele origin: germline.
Comment: This sequence change replaces arginine, which is basic and polar, with cysteine, which is neutral and slightly polar, at codon 1488 of the CACNA1F protein (p.Arg1488Cys). This variant is present in population databases (rs782266289, gnomAD 0.01%). This variant has not been reported in the literature in individuals affected with CACNA1F-related conditions. ClinVar contains an entry for this variant (Variation ID: 1001683). Advanced modeling of protein sequence and biophysical properties (such as structural, functional, and spatial information, amino acid conservation, physicochemical variation, residue mobility, and thermodynamic stability) performed at Invitae indicates that this missense variant is not expected to disrupt CACNA1F protein function with a negative predictive value of 80%. In summary, the available evidence is currently insufficient to determine the role of this variant in disease. Therefore, it has been classified as a Variant of Uncertain Significance.

Clinical Genetics DNA and cytogenetics Diagnostics Lab, Erasmus MC, Erasmus Medical Center
Classification: Uncertain significance. Review status: no assertion criteria provided. Collection method: clinical testing. Allele origin: germline. Affected: yes. Study: VKGL Data-share Consensus. Not counted in ClinVar's aggregate classification.

Clinical Genetics, Academic Medical Center
Classification: Uncertain significance. Review status: no assertion criteria provided. Collection method: clinical testing. Allele origin: germline. Affected: yes. Study: VKGL Data-share Consensus. Not counted in ClinVar's aggregate classification.